The following is an entry in ClinVar:

NM_005862.3(STAG1):c.531C>T (p.Asn177=)

Gene: STAG1 (STAG1 cohesin complex component; minus strand). Cytogenetic location: 3q22.3.
Variant type: single nucleotide variant.
Coding change: c.531C>T on transcript NM_005862.3 (MANE Select); coding-DNA position 531, C replaced by T.
Protein change: p.Asn177=; no amino-acid change (asparagine 177 retained).
Molecular consequence: synonymous variant.
Genome position (GRCh38, 1-based): chr3:136,521,358, G>A on the plus strand (C>T on the coding strand, the complement: STAG1 is on the minus strand). VCF-style: chr3-136521358-G-A. GRCh37 (hg19) VCF-style: chr3-136240200-G-A.
Identifiers: ClinVar variation 2654183 (VCV002654183.24), dbSNP rs753264209, ClinGen allele CA2633159.

ClinVar aggregate classification (germline): Likely benign (1 of 4 stars; one submission).

Allele frequency attached by ClinVar (database versions not stated): ExAC 0.00001; gnomAD 0.00001; gnomAD exomes 0.00001; TOPMed 0.00001.
gnomAD v4.1: 12 of 1,613,450 alleles (0.00074%); highest among the groups gnomAD compares: Non-Finnish European, 0.00093%; no homozygotes.

Submission:

CeGaT Center for Human Genetics Tuebingen
Classification: Likely benign. Last evaluated: 2022-05-01. Review status: criteria provided, single submitter. Criteria: CeGaT Center For Human Genetics Tuebingen Variant Classification Criteria Version 2. Collection method: clinical testing. Allele origin: germline. Affected: yes. Observed: 1 variant allele.
Comment: STAG1: BP4, BP7